The following is an entry in ClinVar:

NM_000179.3(MSH6):c.260+2T>G

Genes: MSH6 (mutS homolog 6; plus strand), LOC129933707 (ATAC-STARR-seq lymphoblastoid silent region 11468; plus strand). Cytogenetic location: 2p16.3.
Variant type: single nucleotide variant.
Coding change: c.260+2T>G on transcript NM_000179.3 (MANE Select); the canonical splice donor site of the intron after coding-DNA position 260, T replaced by G.
Molecular consequence: splice donor variant. On other transcripts: intron variant (7).
Genome position (GRCh38, 1-based): chr2:47,783,495, T>G. VCF-style: chr2-47783495-T-G. GRCh37 (hg19) VCF-style: chr2-48010634-T-G.
Other names: c.260+2T>G (NM_001406809.1, NM_001406796.1, NM_001406795.1 and 8 more transcripts); c.-477+2T>G (NM_001406811.1, NM_001281493.2); c.-38+264T>G (NM_001406805.1, NM_001406797.1, NM_001406801.1); c.-669+2T>G (NM_001406807.1); c.-735+2T>G (NM_001406814.1); c.-324+2T>G (NM_001406812.1); c.-69+2T>G (NM_001406799.1); c.-280+2T>G (NM_001406816.1); and 4 more.
Identifiers: ClinVar variation 1793667 (VCV001793667.5), dbSNP rs1553408469, ClinGen allele CA346735207.

ClinVar aggregate classification (germline): Likely pathogenic. Review status: criteria provided, multiple submitters, no conflicts (2 of 4 stars). 4 submissions from 4 submitters: Likely pathogenic (4). Last evaluated 2026-04-14.

Conditions:
Hereditary cancer-predisposing syndrome. Also called: Neoplastic Syndromes, Hereditary; Tumor predisposition; Hereditary Cancer Syndrome; Hereditary neoplastic syndrome. Identifiers: Orphanet 140162, MedGen C0027672, MeSH D009386, MONDO:0015356.
Lynch syndrome. Identifiers: Orphanet 144, MedGen C4552100, MONDO:0005835. Disease mechanism: loss of function.
Hereditary breast ovarian cancer syndrome. Also called: Hereditary breast and/or ovarian cancer syndrome; BRCA1- and BRCA2-Associated Hereditary Breast and Ovarian Cancer; Hereditary breast and ovarian cancer syndrome; Hereditary breast and ovarian cancer; Hereditary breast and ovarian cancer syndrome (HBOC); Breast and ovarian cancer. Identifiers: Orphanet 145, MedGen C0677776, MeSH D061325, MONDO:0003582. Disease mechanism: loss of function.
Lynch syndrome 5 (LYNCH5). Also called: Colorectal cancer, hereditary nonpolyposis, type 5; Hereditary non-polyposis colorectal cancer, type 5. Identifiers: Orphanet 144, MedGen C1833477, MONDO:0013710, OMIM 614350. Disease mechanism: loss of function.

gnomAD v4.1: 3 of 1,413,486 alleles (0.00021%); highest among the groups gnomAD compares: Non-Finnish European, 0.00018%; no homozygotes.

Submissions (4):

German Consortium for Hereditary Breast and Ovarian Cancer, University Hospital Cologne
Classification: Likely pathogenic for Hereditary breast ovarian cancer syndrome. Last evaluated: 2026-04-14. Review status: criteria provided, single submitter. Criteria: ClinGen MSH6 V1.0.0. Collection method: curation. Allele origin: germline.
Comment: This classification follows the ClinGen InSiGHT ACMG MSH6 v1.0.0 classification scheme; We chose these criteria: PVS1 (very strong pathogenic): Variants at IVS±1 or IVS±2 where exon skipping or use of a cryptic splice site disrupts reading frame and is predicted to undergo NMD., PM2 (supporting pathogenic): gnomAD v4.1.1 = 0.000002122, thus < 0.00002

Myriad Genetics, Inc.
Classification: Likely pathogenic for Lynch syndrome 5. Last evaluated: 2023-08-09. Review status: criteria provided, single submitter. Criteria: Myriad Autosomal Dominant, Autosomal Recessive and X-Linked Classification Criteria (2023). Collection method: clinical testing. Allele origin: unknown.
Comment: This variant is considered likely pathogenic. This variant occurs within a consensus splice junction and is predicted to result in abnormal mRNA splicing of either an out-of-frame exon or an in-frame exon necessary for protein stability and/or normal function.

Ambry Genetics
Classification: Likely pathogenic for Hereditary cancer-predisposing syndrome. Last evaluated: 2021-12-23. Review status: criteria provided, single submitter. Criteria: Ambry Variant Classification Scheme 2023. Collection method: clinical testing. Allele origin: germline.
Comment: The c.260+2T>G intronic variant results from a T to G substitution two nucleotides after coding exon 1 in the MSH6 gene. This nucleotide position is well conserved in available vertebrate species. In silico splice site analysis predicts that this alteration will weaken the native splice donor site and will result in the creation or strengthening of a novel splice donor site. Alterations that disrupt the canonical splice site are expected to cause aberrant splicing, resulting in an abnormal protein or a transcript that is subject to nonsense-mediated mRNA decay. As such, this alteration is classified as likely pathogenic.

Laboratory for Molecular Medicine, Mass General Brigham Personalized Medicine
Classification: Likely pathogenic for Lynch syndrome. Last evaluated: 2020-05-13. Review status: criteria provided, single submitter. Criteria: ACMG Guidelines, 2015. Collection method: clinical testing. Allele origin: germline.
Comment: The c.260+2T>G variant in MSH6 has not been previously reported in individuals with Lynch syndrome and was absent from large population studies. This variant occurs within the canonical splice site (+/- 1,2) and is predicted to cause altered splicing leading to an abnormal or absent protein. Heterozygous loss-of-function of the MSH6 gene is an established disease mechanism in individuals with Lynch syndrome. Another variant affecting the same splice site (c.260+2T>A) has been classified as likely pathogenic by our laboratory. In summary, this variant meets criteria to be classified as likely pathogenic for autosomal dominant Lynch syndrome based upon predicted impact to the protein and absence in controls. ACMG/AMP criteria applied: PVS1, PM2.